The following is an entry in ClinVar:

ClinVar aggregate classification (germline): Uncertain significance. Review status: criteria provided, multiple submitters, no conflicts (2 of 4 stars). 2 submissions from 2 submitters: Uncertain significance (2). Last evaluated 2024-03-13.

Conditions:
Severe X-linked mitochondrial encephalomyopathy. Also called: ENCEPHALOMYOPATHY, MITOCHONDRIAL, X-LINKED. Identifiers: Orphanet 238329, MedGen C3151753, MONDO:0010437, OMIM 300816.
Combined oxidative phosphorylation deficiency. Identifiers: MedGen C4540031, MONDO:0000732.
Charcot-Marie-Tooth Neuropathy X. Identifiers: MedGen CN118851.

Allele frequency attached by ClinVar (database versions not stated): gnomAD exomes below 0.00001.
gnomAD v4.1: 3 of 1,204,257 alleles (0.00025%); highest among the groups gnomAD compares: Middle Eastern, 0.046%; no homozygotes.

Submissions (2):

Labcorp Genetics (formerly Invitae), Labcorp
Classification: Uncertain significance for Charcot-Marie-Tooth Neuropathy X; Combined oxidative phosphorylation deficiency. Last evaluated: 2024-03-13. Review status: criteria provided, single submitter. Criteria: Invitae Variant Classification Sherloc (09022015). Collection method: clinical testing. Allele origin: germline.
Comment: This sequence change falls in intron 7 of the AIFM1 gene. It does not directly change the encoded amino acid sequence of the AIFM1 protein. It affects a nucleotide within the consensus splice site. This variant is not present in population databases (gnomAD no frequency). This variant has not been reported in the literature in individuals affected with AIFM1-related conditions. ClinVar contains an entry for this variant (Variation ID: 2584682). Variants that disrupt the consensus splice site are a relatively common cause of aberrant splicing (PMID: 17576681, 9536098). Algorithms developed to predict the effect of sequence changes on RNA splicing suggest that this variant is not likely to affect RNA splicing. In summary, the available evidence is currently insufficient to determine the role of this variant in disease. Therefore, it has been classified as a Variant of Uncertain Significance.

Institute of Human Genetics, University Hospital of Duesseldorf
Classification: Uncertain significance for Severe X-linked mitochondrial encephalomyopathy. Review status: criteria provided, single submitter. Criteria: ACMG Guidelines, 2015. Collection method: not provided. Allele origin: germline. Inheritance: X-linked recessive inheritance. Affected: yes.

Literature cited by the submitters: PubMed 17576681 (cited by Labcorp Genetics (formerly Invitae), Labcorp); PubMed 9536098 (cited by Labcorp Genetics (formerly Invitae), Labcorp).

NM_004208.4(AIFM1):c.782-3C>T

Genes: AIFM1 (apoptosis inducing factor mitochondria associated 1; minus strand), RAB33A (RAB33A, member RAS oncogene family; plus strand). Cytogenetic location: Xq26.1.
Variant type: single nucleotide variant.
Coding change: c.782-3C>T on transcript NM_004208.4 (MANE Select); 3 bases into the intron before coding-DNA position 782, C replaced by T.
Molecular consequence: intron variant.
Genome position (GRCh38, 1-based): chrX:130,139,874, G>A on the plus strand (C>T on the coding strand, the complement: AIFM1 is on the minus strand). VCF-style: chrX-130139874-G-A. GRCh37 (hg19) VCF-style: chrX-129273849-G-A.
Other names: c.770-3C>T (NM_145812.3); c.782-3C>T (NM_001130847.4).
Identifiers: ClinVar variation 2584682 (VCV002584682.3), dbSNP rs2523129705, ClinGen allele CA2582342932.